The following is an entry in ClinVar:

ClinVar aggregate classification (germline): Uncertain significance (1 of 4 stars; one submission).

Conditions:
Hereditary cancer-predisposing syndrome. Also called: Neoplastic Syndromes, Hereditary; Tumor predisposition; Hereditary Cancer Syndrome; Hereditary neoplastic syndrome. Identifiers: Orphanet 140162, MedGen C0027672, MeSH D009386, MONDO:0015356.

gnomAD v4.1: 1 of 1,614,142 alleles (0.000062%); highest among the groups gnomAD compares: Non-Finnish European, 0.000085%; no homozygotes.

Submission:

Ambry Genetics
Classification: Uncertain significance for Hereditary cancer-predisposing syndrome. Last evaluated: 2026-02-18. Review status: criteria provided, single submitter. Criteria: Ambry Variant Classification Scheme 2023. Collection method: clinical testing. Allele origin: germline.
Comment: The p.A546T variant (also known as c.1636G>A), located in coding exon 15 of the POLE gene, results from a G to A substitution at nucleotide position 1636. The alanine at codon 546 is replaced by threonine, an amino acid with similar properties. This amino acid position is highly conserved in available vertebrate species. In addition, the in silico prediction for this alteration is inconclusive. Based on the available evidence, the clinical significance of this variant remains unclear.

NM_006231.4(POLE):c.1636G>A (p.Ala546Thr)

Gene: POLE (DNA polymerase epsilon, catalytic subunit; minus strand). Cytogenetic location: 12q24.33.
Variant type: single nucleotide variant.
Coding change: c.1636G>A on transcript NM_006231.4 (MANE Select); coding-DNA position 1636, G replaced by A.
Protein change: p.Ala546Thr; replaces alanine 546 with threonine.
Molecular consequence: missense variant.
Genome position (GRCh38, 1-based): chr12:132,672,677, C>T on the plus strand (G>A on the coding strand, the complement: POLE is on the minus strand). VCF-style: chr12-132672677-C-T. GRCh37 (hg19) VCF-style: chr12-133249263-C-T.
Other names: short protein forms A546T.
Identifiers: ClinVar variation 4844278 (VCV004844278.1).